The following is an entry in ClinVar:

ClinVar aggregate classification (germline): Uncertain significance (1 of 4 stars; one submission).

Conditions:
Early-infantile DEE. Also called: Ohtahara syndrome; Early infantile epileptic encephalopathy with suppression bursts; Early infantile epileptic encephalopathy. Identifiers: Orphanet 1934, MedGen C0393706, MONDO:0800491.

gnomAD v4.1: 1 of 1,614,130 alleles (0.000062%); highest among the groups gnomAD compares: Middle Eastern, 0.016%; no homozygotes.

Submission:

Labcorp Genetics (formerly Invitae), Labcorp
Classification: Uncertain significance for Early-infantile DEE. Last evaluated: 2025-10-01. Review status: criteria provided, single submitter. Criteria: Invitae Variant Classification Sherloc (09022015). Collection method: clinical testing. Allele origin: germline.
Comment: This sequence change affects codon 977 of the SCN1A mRNA. It is a 'silent' change, meaning that it does not change the encoded amino acid sequence of the SCN1A protein. This variant is not present in population databases (gnomAD no frequency). This variant has not been reported in the literature in individuals affected with SCN1A-related conditions. ClinVar contains an entry for this variant (Variation ID: 3669852). Algorithms developed to predict the effect of sequence changes on RNA splicing suggest that this variant may create or strengthen a splice site. In summary, the available evidence is currently insufficient to determine the role of this variant in disease. Therefore, it has been classified as a Variant of Uncertain Significance.

NM_001165963.4(SCN1A):c.2931G>A (p.Val977=)

Gene: SCN1A (sodium voltage-gated channel alpha subunit 1; minus strand). Cytogenetic location: 2q24.3.
Variant type: single nucleotide variant.
Coding change: c.2931G>A on transcript NM_001165963.4 (MANE Select); coding-DNA position 2931, G replaced by A.
Protein change: p.Val977=; no amino-acid change (valine 977 retained).
Molecular consequence: synonymous variant. On other transcripts: non-coding transcript variant (1).
Genome position (GRCh38, 1-based): chr2:166,037,791, C>T on the plus strand (G>A on the coding strand, the complement: SCN1A is on the minus strand). VCF-style: chr2-166037791-C-T. GRCh37 (hg19) VCF-style: chr2-166894301-C-T.
Other names: c.2847G>A, p.Val949= (NM_001165964.3, NM_001353957.2, NM_001353958.2); c.2931G>A, p.Val977= (NM_001202435.3, NM_001353948.2); c.2898G>A, p.Val966= (NM_001353949.2, NM_001353950.2, NM_001353951.2 and 2 more transcripts); c.2895G>A, p.Val965= (NM_001353954.2, NM_001353955.2); c.2844G>A, p.Val948= (NM_001353960.2); c.489G>A, p.Val163= (NM_001353961.2).
Identifiers: ClinVar variation 3669852 (VCV003669852.2).
Genomic context (GRCh38, chr2:166,037,791, plus strand): 5'-CATGCTGGTGTATTTCCAAAATGCATATCTTAAGTGGGTACATACCACTAGGTTTCCAAT[C>T]ACCATGACCATCATGAAGACAGTAAGGCACATGGCTTGACCAGCAACCTCCATACAGTCC-3'
Protein context (NP_001159435.1, residues 967-987): MCLTVFMMVM[Val977=]IGNLVVLNLF